The following is an entry in ClinVar:

NM_013432.5(TONSL):c.2260C>T (p.Arg754Trp)

Genes: TONSL (tonsoku like, DNA repair protein; minus strand), TONSL-AS1 (TONSL antisense RNA 1; plus strand). Cytogenetic location: 8q24.3.
Variant type: single nucleotide variant.
Coding change: c.2260C>T on transcript NM_013432.5 (MANE Select); coding-DNA position 2260, C replaced by T.
Protein change: p.Arg754Trp; replaces arginine 754 with tryptophan.
Molecular consequence: missense variant.
Genome position (GRCh38, 1-based): chr8:144,436,173, G>A on the plus strand (C>T on the coding strand, the complement: TONSL is on the minus strand). VCF-style: chr8-144436173-G-A. GRCh37 (hg19) VCF-style: chr8-145661556-G-A.
Other names: short protein forms R754W.
Identifiers: ClinVar variation 1964347 (VCV001964347.2), dbSNP rs759030148, ClinGen allele CA4942877.

ClinVar aggregate classification (germline): Uncertain significance (1 of 4 stars; one submission).

Allele frequency attached by ClinVar (database versions not stated): gnomAD 0.00001; gnomAD exomes 0.00001; TOPMed 0.00002; ExAC 0.00005.
gnomAD v4.1: 11 of 1,576,082 alleles (0.0007%); highest among the groups gnomAD compares: South Asian, 0.0011%; no homozygotes.

Submission:

Labcorp Genetics (formerly Invitae), Labcorp
Classification: Uncertain significance. Last evaluated: 2022-10-17. Review status: criteria provided, single submitter. Criteria: Invitae Variant Classification Sherloc (09022015). Collection method: clinical testing. Allele origin: germline.
Comment: This sequence change replaces arginine, which is basic and polar, with tryptophan, which is neutral and slightly polar, at codon 754 of the TONSL protein (p.Arg754Trp). The frequency data for this variant in the population databases is considered unreliable, as metrics indicate poor data quality at this position in the gnomAD database. This variant has not been reported in the literature in individuals affected with TONSL-related conditions. Advanced modeling of protein sequence and biophysical properties (such as structural, functional, and spatial information, amino acid conservation, physicochemical variation, residue mobility, and thermodynamic stability) performed at Invitae indicates that this missense variant is not expected to disrupt TONSL protein function. In summary, the available evidence is currently insufficient to determine the role of this variant in disease. Therefore, it has been classified as a Variant of Uncertain Significance.